The following is an entry in ClinVar:

NM_000368.5(TSC1):c.401del (p.Leu134fs)

Gene: TSC1 (TSC complex subunit 1; minus strand). Cytogenetic location: 9q34.13.
Variant type: Deletion.
Coding change: c.401del on transcript NM_000368.5 (MANE Select); coding-DNA position 401, one base deleted (T; older notation c.401delT).
Protein change: p.Leu134fs; shifts the reading frame from leucine 134.
Molecular consequence: frameshift variant.
Genome position (GRCh38, 1-based): chr9:132,923,455, A deleted on the plus strand (T on the coding strand, the reverse complement: TSC1 is on the minus strand); the first of 2 consecutive A bases (chr9:132,923,455-132,923,456); deleting either gives the same sequence. VCF-style (leftmost placement, unchanged base first): chr9-132923454-CA-C. GRCh37 (hg19) VCF-style: chr9-135798841-CA-C.
Other names: c.401del, p.Leu134fs (NM_001162426.2); c.248del, p.Leu83fs (NM_001162427.2); c.38del, p.Leu13fs (NM_001362177.2); c.400delT, p.Leu134Trpfs (NM_001406592.1, NM_001406593.1, NM_001406594.1 and 15 more transcripts); c.247delT, p.Leu83Trpfs (NM_001406610.1, NM_001406611.1, NM_001406612.1 and 1 more transcripts); c.37delT, p.Leu13Trpfs (NM_001406614.1, NM_001406615.1, NM_001406616.1 and 9 more transcripts); c.-478delT (NM_001406626.1, NM_001406627.1, NM_001406628.1); c.-620delT (NM_001406629.1); and 2 more; short protein forms L13fs, L134fs, L83fs.
Identifiers: ClinVar variation 1737095 (VCV001737095.2), dbSNP rs2539041649, ClinGen allele CA2580080041.

ClinVar aggregate classification (germline): Pathogenic (1 of 4 stars; one submission).

Conditions:
Hereditary cancer-predisposing syndrome. Also called: Neoplastic Syndromes, Hereditary; Tumor predisposition; Hereditary Cancer Syndrome; Hereditary neoplastic syndrome. Identifiers: Orphanet 140162, MedGen C0027672, MeSH D009386, MONDO:0015356.

Submission:

Ambry Genetics
Classification: Pathogenic for Hereditary cancer-predisposing syndrome. Last evaluated: 2015-11-27. Review status: criteria provided, single submitter. Criteria: Ambry Variant Classification Scheme 2023. Collection method: clinical testing. Allele origin: germline.
Comment: The c.401delT pathogenic mutation, located in coding exon 4 of the TSC1 gene, results from a deletion of one nucleotide at position 401, causing a translational frameshift with a predicted alternate stop codon. Since frameshifts are typically deleterious in nature, this alteration is interpreted as a disease-causing mutation (ACMG Recommendations for Standards for Interpretation and Reporting of Sequence Variations. Revision 2007. Genet Med. 2008;10:294).